The following is an entry in ClinVar:

NM_014143.4(CD274):c.*93G>A

Genes: CD274 (CD274 molecule; plus strand), INCR1 (interferon stimulated noncoding RNA 1; minus strand). Cytogenetic location: 9p24.1.
Variant type: single nucleotide variant.
Coding change: c.*93G>A on transcript NM_014143.4 (MANE Select); 93 bases downstream of the stop codon, G replaced by A.
Molecular consequence: 3 prime UTR variant. On other transcripts: non-coding transcript variant (1).
Genome position (GRCh38, 1-based): chr9:5,467,955, G>A. VCF-style: chr9-5467955-G-A. GRCh37 (hg19) VCF-style: chr9-5467955-G-A.
Other names: c.*93G>A (NM_001267706.2).
Identifiers: ClinVar variation 1251725 (VCV001251725.3), dbSNP rs2297136, ClinGen allele CA12947552.

ClinVar aggregate classification (germline): Benign. Review status: criteria provided, multiple submitters, no conflicts (2 of 4 stars). 2 submissions from 2 submitters: Benign (2). Last evaluated 2020-02-17.

Allele frequency attached by ClinVar (database versions not stated): gnomAD 0.56345 and 0.55748; 1000 Genomes Project 0.66853; TOPMed 0.58524; gnomAD exomes 0.53969; 1000 Genomes Project 30x 0.66615.

Submissions (2):

GeneDx
Classification: Benign. Last evaluated: 2020-02-17. Review status: criteria provided, single submitter. Criteria: GeneDx Variant Classification Process June 2021. Collection method: clinical testing. Allele origin: germline. Affected: yes.
Comment: This variant is associated with the following publications: (PMID: 28677815)

Breakthrough Genomics
Classification: Benign. Review status: criteria provided, single submitter. Criteria: ACMG Guidelines, 2015. Collection method: not provided. Allele origin: germline. Inheritance: Unknown mechanism. Affected: yes.